The following is an entry in ClinVar:

ClinVar aggregate classification (germline): Uncertain significance (1 of 4 stars; one submission).

Conditions:
Congenital factor V deficiency. Also called: Hereditary factor V deficiency disease; LABILE FACTOR DEFICIENCY; OWREN PARAHEMOPHILIA; PARAHEMOPHILIA. Identifiers: Orphanet 326, MedGen C0015499, MONDO:0009210, OMIM 227400.

gnomAD v4.1: 14 of 1,613,870 alleles (0.00087%); highest among the groups gnomAD compares: Admixed American, 0.013%; no homozygotes.

Submission:

Labcorp Genetics (formerly Invitae), Labcorp
Classification: Uncertain significance for Congenital factor V deficiency. Last evaluated: 2024-09-29. Review status: criteria provided, single submitter. Criteria: Invitae Variant Classification Sherloc (09022015). Collection method: clinical testing. Allele origin: germline.
Comment: This sequence change replaces proline, which is neutral and non-polar, with alanine, which is neutral and non-polar, at codon 313 of the F5 protein (p.Pro313Ala). This variant is present in population databases (rs751005086, gnomAD 0.01%). This variant has not been reported in the literature in individuals affected with F5-related conditions. Invitae Evidence Modeling of protein sequence and biophysical properties (such as structural, functional, and spatial information, amino acid conservation, physicochemical variation, residue mobility, and thermodynamic stability) indicates that this missense variant is not expected to disrupt F5 protein function with a negative predictive value of 80%. In summary, the available evidence is currently insufficient to determine the role of this variant in disease. Therefore, it has been classified as a Variant of Uncertain Significance.

NM_000130.5(F5):c.937C>G (p.Pro313Ala)

Gene: F5 (coagulation factor V; minus strand). Cytogenetic location: 1q24.2.
Variant type: single nucleotide variant.
Coding change: c.937C>G on transcript NM_000130.5 (MANE Select); coding-DNA position 937, C replaced by G.
Protein change: p.Pro313Ala; replaces proline 313 with alanine.
Molecular consequence: missense variant.
Genome position (GRCh38, 1-based): chr1:169,556,661, G>C on the plus strand (C>G on the coding strand, the complement: F5 is on the minus strand). VCF-style: chr1-169556661-G-C. GRCh37 (hg19) VCF-style: chr1-169525899-G-C.
Other names: short protein forms P313A.
Identifiers: ClinVar variation 3710217 (VCV003710217.2).